The following is an entry in ClinVar:

NM_001374353.1(GLI2):c.2062G>C (p.Asp688His)

Gene: GLI2 (GLI family zinc finger 2; plus strand). Cytogenetic location: 2q14.2.
Variant type: single nucleotide variant.
Coding change: c.2062G>C on transcript NM_001374353.1 (MANE Select); coding-DNA position 2062, G replaced by C.
Protein change: p.Asp688His; replaces aspartic acid 688 with histidine.
Molecular consequence: missense variant.
Genome position (GRCh38, 1-based): chr2:120,986,434, G>C. VCF-style: chr2-120986434-G-C. GRCh37 (hg19) VCF-style: chr2-121744010-G-C.
Other names: c.2113G>C, p.Asp705His (NM_001371271.1, NM_005270.5); c.1687G>C, p.Asp563His (NM_001374354.1); short protein forms D563H, D688H, D705H.
Identifiers: ClinVar variation 3371165 (VCV003371165.1).
Genomic context (GRCh38, chr2:120,986,434, plus strand): 5'-GGGACGGGGCCCGGGAGCCTGGGAGACCTGACGGCACTGGATGACACACCCCCAGGGGCC[G>C]ACACCTCAGCCCTGGCTGCCCCCTCCGCTGGTGGCCTCCAGCTGCGCAAACACATGACCA-3'
Protein context (NP_001361282.1, residues 678-698): TALDDTPPGA[Asp688His]TSALAAPSAG

ClinVar aggregate classification (germline): Uncertain significance (1 of 4 stars; one submission).

Submission:

GeneDx
Classification: Uncertain significance. Last evaluated: 2024-03-18. Review status: criteria provided, single submitter. Criteria: GeneDx Variant Classification Process June 2021. Collection method: clinical testing. Allele origin: germline. Affected: yes.
Comment: Not observed at significant frequency in large population cohorts (gnomAD); In silico analysis supports that this missense variant has a deleterious effect on protein structure/function; Has not been previously published as pathogenic or benign to our knowledge